The following is an entry in ClinVar:

NM_000460.4(THPO):c.359T>C (p.Leu120Pro)

Gene: THPO (thrombopoietin; minus strand). Cytogenetic location: 3q27.1.
Variant type: single nucleotide variant.
Coding change: c.359T>C on transcript NM_000460.4 (MANE Select); coding-DNA position 359, T replaced by C.
Protein change: p.Leu120Pro; replaces leucine 120 with proline.
Molecular consequence: missense variant.
Genome position (GRCh38, 1-based): chr3:184,373,452, A>G on the plus strand (T>C on the coding strand, the complement: THPO is on the minus strand). VCF-style: chr3-184373452-A-G. GRCh37 (hg19) VCF-style: chr3-184091240-A-G.
Other names: p.Leu120Pro; c.359T>C, p.Leu120Pro (NM_001177597.2, NM_001177598.2, NM_001289997.1 and 5 more transcripts); c.779T>C, p.Leu260Pro (NM_001290003.1); short protein forms L120P, L260P.
Identifiers: ClinVar variation 3251711 (VCV003251711.2), dbSNP rs2474334735.

ClinVar aggregate classification (germline): Uncertain significance. Review status: criteria provided, multiple submitters, no conflicts (2 of 4 stars). 2 submissions from 2 submitters: Uncertain significance (2). Last evaluated 2024-08-28.

Allele frequency attached by ClinVar (database versions not stated): gnomAD exomes below 0.00001.
gnomAD v4.1: 3 of 1,614,048 alleles (0.00019%); highest among the groups gnomAD compares: Non-Finnish European, 0.00017%; no homozygotes.

Submissions (2):

Mayo Clinic Laboratories, Mayo Clinic
Classification: Uncertain significance. Last evaluated: 2024-08-28. Review status: criteria provided, single submitter. Criteria: ACMG Guidelines, 2015. Collection method: clinical testing. Allele origin: germline. Observed: 1 variant allele.
Comment: PM1_supporting, PM2

Women's Health and Genetics/Laboratory Corporation of America, LabCorp
Classification: Uncertain significance. Last evaluated: 2024-04-24. Review status: criteria provided, single submitter. Criteria: LabCorp Variant Classification Summary - May 2015. Collection method: clinical testing. Allele origin: germline.
Comment: Variant summary: THPO c.359T>C (p.Leu120Pro) results in a non-conservative amino acid change in the encoded protein sequence. Three of five in-silico tools predict a damaging effect of the variant on protein function. The variant was absent in 251310 control chromosomes. The available data on variant occurrences in the general population are insufficient to allow any conclusion about variant significance. To our knowledge, no occurrence of c.359T>C in individuals affected with THPO-Related Disorders and no experimental evidence demonstrating its impact on protein function have been reported. No submitters have cited clinical-significance assessments for this variant to ClinVar. Based on the evidence outlined above, the variant was classified as uncertain significance.